The following is an entry in ClinVar:

ClinVar aggregate classification (germline): Uncertain significance. Review status: criteria provided, multiple submitters, no conflicts (2 of 4 stars). 2 submissions from 2 submitters: Uncertain significance (2). Last evaluated 2025-09-30.

Conditions:
Cardiomyopathy (CMYO). Also called: Cardiomyopathies. Identifiers: Orphanet 167848, MedGen C0878544, MONDO:0004994, HP:0001638. Inheritance: Various modes of inheritance.
Arrhythmogenic right ventricular cardiomyopathy (ARVD). Also called: Arrhythmogenic right ventricular dysplasia; Cardiomyopathy, ARVC; Arrhythmogenic cardiomyopathy; Arrhythmogenic Right Ventricular Cardiomyopathy (ARVC). Identifiers: Orphanet 247, MedGen C0349788, MeSH D019571, MONDO:0016587. Disease mechanism: loss of function. Inheritance: Various modes of inheritance.

Allele frequency attached by ClinVar (database versions not stated): gnomAD exomes below 0.00001.
gnomAD v4.1: 1 of 1,508,844 alleles (0.000066%); highest among the groups gnomAD compares: Non-Finnish European, 0.000092%; no homozygotes.

Submissions (2):

Color Diagnostics, LLC DBA Color Health
Classification: Uncertain significance for Cardiomyopathy. Last evaluated: 2025-09-30. Review status: criteria provided, single submitter. Criteria: ACMG Guidelines, 2015. Collection method: clinical testing. Allele origin: germline.
Comment: This variant causes a T to C nucleotide substitution at the +5 position of intron 8 of the PKP2 gene. To our knowledge, functional studies have not been reported for this variant. This variant has not been reported in individuals affected with PKP2-related disorders in the literature. This variant has been identified in 1/1508844 chromosomes in the general population by the Genome Aggregation Database (gnomAD). The available evidence is insufficient to determine the role of this variant in disease conclusively. Therefore, this variant is classified as a Variant of Uncertain Significance.

All of Us Research Program, National Institutes of Health
Classification: Uncertain significance for Arrhythmogenic right ventricular cardiomyopathy. Last evaluated: 2023-07-19. Review status: criteria provided, single submitter. Criteria: ACMG Guidelines, 2015. Collection method: clinical testing. Allele origin: germline. Inheritance: Autosomal dominant inheritance. Observed: 1 variant allele, 1 heterozygote.
Comment: This variant causes a T to C nucleotide substitution at the +5 position of intron 8 of the PKP2 gene. To our knowledge, functional studies have not been reported for this variant. This variant has not been reported in individuals affected with PKP2-related disorders in the literature. This variant has not been identified in the general population by the Genome Aggregation Database (gnomAD). The available evidence is insufficient to determine the role of this variant in disease conclusively. Therefore, this variant is classified as a Variant of Uncertain Significance.

This study involves interpretation of variants in research participants for the purpose of population health screening. Participant phenotype was not available at the time of variant classification. Additional details can be found in publication PMID: 35346344, PMCID: PMC8962531

NM_001005242.3(PKP2):c.1674+5T>C

Gene: PKP2 (plakophilin 2; minus strand). Cytogenetic location: 12p11.21.
Variant type: single nucleotide variant.
Coding change: c.1674+5T>C on transcript NM_001005242.3 (MANE Select); 5 bases into the intron after coding-DNA position 1674, T replaced by C.
Molecular consequence: intron variant.
Genome position (GRCh38, 1-based): chr12:32,824,040, A>G on the plus strand (T>C on the coding strand, the complement: PKP2 is on the minus strand). VCF-style: chr12-32824040-A-G. GRCh37 (hg19) VCF-style: chr12-32976974-A-G.
Other names: c.1674+5T>C (NM_001407156.1, NM_001407155.1, NM_001407161.1); c.1806+5T>C (NM_004572.4, NM_001407157.1); c.1347+5T>C (NM_001407160.1, NM_001407159.1, NM_001407158.1 and 1 more transcripts).
Identifiers: ClinVar variation 3072496 (VCV003072496.2), dbSNP rs2541234446, ClinGen allele CA2618225702.